The following is an entry in ClinVar:

ClinVar aggregate classification (germline): Uncertain significance. Review status: criteria provided, multiple submitters, no conflicts (2 of 4 stars). 2 submissions from 2 submitters: Uncertain significance (2). Last evaluated 2025-12-19.

Conditions:
Charcot-Marie-Tooth disease type 2. Also called: Charcot-Marie-Tooth type 2. Identifiers: Orphanet 64746, MedGen C0270914, MONDO:0018993.

Allele frequency attached by ClinVar (database versions not stated): TOPMed 0.00001; ESP Exome Variant Server 0.00008.
gnomAD v4.1: 34 of 1,614,198 alleles (0.0021%); highest among the groups gnomAD compares: Non-Finnish European, 0.0027%; no homozygotes.

Submissions (2):

Labcorp Genetics (formerly Invitae), Labcorp
Classification: Uncertain significance for Charcot-Marie-Tooth disease type 2. Last evaluated: 2025-12-19. Review status: criteria provided, single submitter. Criteria: Invitae Variant Classification Sherloc (09022015). Collection method: clinical testing. Allele origin: germline.
Comment: This sequence change falls in intron 12 of the KIF1B gene. It does not directly change the encoded amino acid sequence of the KIF1B protein. It affects a nucleotide within the consensus splice site. This variant is not present in population databases (gnomAD no frequency). This variant has not been reported in the literature in individuals affected with KIF1B-related conditions. ClinVar contains an entry for this variant (Variation ID: 1737404). Variants that disrupt the consensus splice site are a relatively common cause of aberrant splicing (PMID: 17576681, 9536098). Algorithms developed to predict the effect of sequence changes on RNA splicing suggest that this variant may disrupt the consensus splice site. In summary, the available evidence is currently insufficient to determine the role of this variant in disease. Therefore, it has been classified as a Variant of Uncertain Significance.

Ambry Genetics
Classification: Uncertain significance. Last evaluated: 2025-04-22. Review status: criteria provided, single submitter. Criteria: Ambry Variant Classification Scheme 2023. Collection method: clinical testing. Allele origin: germline.
Comment: The c.1163-3C>G intronic variant results from a C to G substitution 3 nucleotides upstream from coding exon 12 in the KIF1B gene. This nucleotide position is highly conserved in available vertebrate species. In silico splice site analysis predicts that this alteration will weaken the native splice acceptor site. The evidence for this gene-disease relationship is limited; therefore, the clinical significance of this alteration is unclear.

Literature cited by the submitters: PubMed 17576681 (cited by Labcorp Genetics (formerly Invitae), Labcorp); PubMed 9536098 (cited by Labcorp Genetics (formerly Invitae), Labcorp).

NM_001365951.3(KIF1B):c.1298C>G (p.Thr433Arg)

Gene: KIF1B (kinesin family member 1B; plus strand). Cytogenetic location: 1p36.22.
Variant type: single nucleotide variant.
Coding change: c.1298C>G on transcript NM_001365951.3 (MANE Select); coding-DNA position 1298, C replaced by G.
Protein change: p.Thr433Arg; replaces threonine 433 with arginine.
Molecular consequence: missense variant. On other transcripts: intron variant (3).
Genome position (GRCh38, 1-based): chr1:10,282,397, C>G. VCF-style: chr1-10282397-C-G. GRCh37 (hg19) VCF-style: chr1-10342455-C-G.
Other names: c.1298C>G, p.Thr433Arg (NM_001365952.1); c.1163-3C>G (NM_183416.4, NM_015074.3, NM_001365953.1); short protein forms T433R.
Identifiers: ClinVar variation 1737404 (VCV001737404.9), dbSNP rs370656430, ClinGen allele CA17841932.